The following is an entry in ClinVar:

NM_003072.5(SMARCA4):c.2002G>A (p.Glu668Lys)

Gene: SMARCA4 (SWI/SNF related BAF chromatin remodeling complex subunit ATPase 4; plus strand). Cytogenetic location: 19p13.2.
Variant type: single nucleotide variant.
Coding change: c.2002G>A on transcript NM_003072.5 (MANE Select); coding-DNA position 2002, G replaced by A.
Protein change: p.Glu668Lys; replaces glutamic acid 668 with lysine.
Molecular consequence: missense variant. On other transcripts: non-coding transcript variant (1).
Genome position (GRCh38, 1-based): chr19:11,007,902, G>A. VCF-style: chr19-11007902-G-A. GRCh37 (hg19) VCF-style: chr19-11118578-G-A.
Other names: c.2002G>A, p.Glu668Lys (NM_001128844.3, NM_001128845.2, NM_001128846.2 and 5 more transcripts); short protein forms E668K.
Identifiers: ClinVar variation 408715 (VCV000408715.18), dbSNP rs1060502105, ClinGen allele CA16615951.

ClinVar aggregate classification (germline): Conflicting classifications of pathogenicity. Review status: criteria provided, conflicting classifications (1 of 4 stars). 3 submissions from 3 submitters: Uncertain significance (2); Likely benign (1). Last evaluated 2025-10-01.

Conditions:
Hereditary cancer-predisposing syndrome. Also called: Hereditary Cancer Syndrome; Hereditary neoplastic syndrome; Neoplastic Syndromes, Hereditary; Tumor predisposition. Identifiers: Orphanet 140162, MedGen C0027672, MeSH D009386, MONDO:0015356.
Intellectual disability, autosomal dominant 16 (CSS4). Also called: COFFIN-SIRIS SYNDROME 4. Identifiers: Orphanet 1465, MedGen C3553249, MONDO:0013821, OMIM 614609.
Rhabdoid tumor predisposition syndrome 2 (RTPS2). Identifiers: Orphanet 231108, Orphanet 69077, MedGen C2750074, MONDO:0013224, OMIM 613325.

Allele frequency attached by ClinVar (database versions not stated): gnomAD exomes below 0.00001.
gnomAD v4.1: 11 of 1,611,054 alleles (0.00068%); highest among the groups gnomAD compares: African/African-American, 0.0013%; no homozygotes.

Submissions (3):

Labcorp Genetics (formerly Invitae), Labcorp
Classification: Uncertain significance for Rhabdoid tumor predisposition syndrome 2. Last evaluated: 2025-10-01. Review status: criteria provided, single submitter. Criteria: Invitae Variant Classification Sherloc (09022015). Collection method: clinical testing. Allele origin: germline.
Comment: This sequence change replaces glutamic acid, which is acidic and polar, with lysine, which is basic and polar, at codon 668 of the SMARCA4 protein (p.Glu668Lys). This variant is present in population databases (no rsID available, gnomAD 0.0009%). This variant has not been reported in the literature in individuals affected with SMARCA4-related conditions. ClinVar contains an entry for this variant (Variation ID: 408715). An algorithm developed to predict the effect of missense changes on protein structure and function (PolyPhen-2) suggests that this variant is likely to be tolerated. Studies have shown that this missense change is associated with inconclusive levels of altered splicing (internal data). In summary, the available evidence is currently insufficient to determine the role of this variant in disease. Therefore, it has been classified as a Variant of Uncertain Significance.

Ambry Genetics
Classification: Likely benign for Hereditary cancer-predisposing syndrome. Last evaluated: 2024-02-21. Review status: criteria provided, single submitter. Criteria: Ambry Variant Classification Scheme 2023. Collection method: clinical testing. Allele origin: germline.

Genome-Nilou Lab
Classification: Uncertain significance for Intellectual disability, autosomal dominant 16. Last evaluated: 2021-07-15. Review status: criteria provided, single submitter. Criteria: ACMG Guidelines, 2015. Collection method: clinical testing. Allele origin: germline. Affected: no.